The following is an entry in ClinVar:

ClinVar aggregate classification (germline): Pathogenic (1 of 4 stars; one submission).

Submission:

Labcorp Genetics (formerly Invitae), Labcorp
Classification: Pathogenic. Last evaluated: 2025-08-11. Review status: criteria provided, single submitter. Criteria: Invitae Variant Classification Sherloc (09022015). Collection method: clinical testing. Allele origin: germline.
Comment: This sequence change creates a premature translational stop signal (p.Leu1650Profs*8) in the SPTB gene. It is expected to result in an absent or disrupted protein product. Loss-of-function variants in SPTB are known to be pathogenic (PMID: 1391962, 1498324, 8844207, 26830532, 27292444). This variant is not present in population databases (gnomAD no frequency). This variant has not been reported in the literature in individuals affected with SPTB-related conditions. For these reasons, this variant has been classified as Pathogenic.

Literature cited by the submitters: PubMed 1391962; PubMed 1498324; PubMed 8844207; PubMed 26830532; PubMed 27292444.

NM_001355436.2(SPTB):c.4946dup (p.Leu1650fs)

Gene: SPTB (spectrin beta, erythrocytic; minus strand). Cytogenetic location: 14q23.3.
Variant type: Duplication.
Coding change: c.4946dup on transcript NM_001355436.2 (MANE Select); coding-DNA position 4946, one base duplicated (G; older notation c.4946dupG).
Protein change: p.Leu1650fs; shifts the reading frame from leucine 1650.
Molecular consequence: frameshift variant.
Genome position (GRCh38, 1-based): chr14:64,774,424, C duplicated on the plus strand (G on the coding strand, the reverse complement: SPTB is on the minus strand); the first of 3 consecutive C bases (chr14:64,774,424-64,774,426); duplicating any one gives the same sequence. VCF-style (leftmost placement, unchanged base first): chr14-64774423-G-GC. GRCh37 (hg19) VCF-style: chr14-65241141-G-GC.
Other names: c.4946dup, p.Leu1650fs (NM_001024858.4, NM_001355437.2); short protein forms L1650fs.
Identifiers: ClinVar variation 4725251 (VCV004725251.1).